The following is an entry in ClinVar:

ClinVar aggregate classification (germline): Uncertain significance (1 of 4 stars; one submission).

Conditions:
Gnathodiaphyseal dysplasia (GDD). Also called: GNATHODIAPHYSEAL SCLEROSIS; OSTEOGENESIS IMPERFECTA WITH UNUSUAL SKELETAL LESIONS. Identifiers: Orphanet 53697, MedGen C1833736, MONDO:0008151, OMIM 166260.
Autosomal recessive limb-girdle muscular dystrophy type 2L (LGMDR12). Also called: MUSCULAR DYSTROPHY, LIMB-GIRDLE, AUTOSOMAL RECESSIVE 12; Limb-Girdle Muscular Dystrophy R12 Anoctamin-5-Related (LGMD-R12); Limb-girdle muscular dystrophy, type 2L. Identifiers: Orphanet 206549, MedGen C1969785, MONDO:0012652, OMIM 611307.

Submission:

Labcorp Genetics (formerly Invitae), Labcorp
Classification: Uncertain significance for Autosomal recessive limb-girdle muscular dystrophy type 2L; Gnathodiaphyseal dysplasia. Last evaluated: 2019-03-03. Review status: criteria provided, single submitter. Criteria: Invitae Variant Classification Sherloc (09022015). Collection method: clinical testing. Allele origin: germline.
Comment: In summary, the available evidence is currently insufficient to determine the role of this variant in disease. Therefore, it has been classified as a Variant of Uncertain Significance. Algorithms developed to predict the effect of missense changes on protein structure and function are either unavailable or do not agree on the potential impact of this missense change (SIFT: "Tolerated"; PolyPhen-2: "Possibly Damaging"; Align-GVGD: "Class C0"). This variant has not been reported in the literature in individuals with ANO5-related conditions. This variant is not present in population databases (ExAC no frequency). This sequence change replaces phenylalanine with valine at codon 523 of the ANO5 protein (p.Phe523Val). The phenylalanine residue is moderately conserved and there is a small physicochemical difference between phenylalanine and valine.

NM_213599.3(ANO5):c.1567T>G (p.Phe523Val)

Gene: ANO5 (anoctamin 5; plus strand). Cytogenetic location: 11p14.3.
Variant type: single nucleotide variant.
Coding change: c.1567T>G on transcript NM_213599.3 (MANE Select); coding-DNA position 1567, T replaced by G.
Protein change: p.Phe523Val; replaces phenylalanine 523 with valine.
Molecular consequence: missense variant.
Genome position (GRCh38, 1-based): chr11:22,259,678, T>G. VCF-style: chr11-22259678-T-G. GRCh37 (hg19) VCF-style: chr11-22281224-T-G.
Other names: c.1564T>G, p.Phe522Val (NM_001142649.2); short protein forms F523V, F522V.
Identifiers: ClinVar variation 859427 (VCV000859427.10), dbSNP rs1854128264, ClinGen allele CA379922309.